The following is an entry in ClinVar:

NM_000093.5(COL5A1):c.4649C>T (p.Pro1550Leu)

Genes: COL5A1 (collagen type V alpha 1 chain; plus strand), LOC101448202 (uncharacterized LOC101448202; minus strand). Cytogenetic location: 9q34.3.
Variant type: single nucleotide variant.
Coding change: c.4649C>T on transcript NM_000093.5 (MANE Select); coding-DNA position 4649, C replaced by T.
Protein change: p.Pro1550Leu; replaces proline 1550 with leucine.
Molecular consequence: missense variant.
Genome position (GRCh38, 1-based): chr9:134,823,420, C>T. VCF-style: chr9-134823420-C-T. GRCh37 (hg19) VCF-style: chr9-137715266-C-T.
Other names: c.4649C>T, p.Pro1550Leu (NM_001278074.1); short protein forms P1550L.
Identifiers: ClinVar variation 3614221 (VCV003614221.2).

ClinVar aggregate classification (germline): Uncertain significance (1 of 4 stars; one submission).

Conditions:
Ehlers-Danlos syndrome, classic type, 1 (EDSCL1). Also called: EHLERS-DANLOS SYNDROME, GRAVIS TYPE; EHLERS-DANLOS SYNDROME, SEVERE CLASSIC TYPE; Ehlers-Danlos syndrome, type 1; Ehlers-Danlos Syndrome, Classic Type, COL5A1-Related; EDS I. Identifiers: MedGen C0268335, MONDO:0019567, OMIM 130000.

gnomAD v4.1: 2 of 1,614,122 alleles (0.00012%); highest among the groups gnomAD compares: African/African-American, 0.0013%; no homozygotes.

Submission:

Labcorp Genetics (formerly Invitae), Labcorp
Classification: Uncertain significance for Ehlers-Danlos syndrome, classic type, 1. Last evaluated: 2025-09-28. Review status: criteria provided, single submitter. Criteria: Invitae Variant Classification Sherloc (09022015). Collection method: clinical testing. Allele origin: germline.
Comment: This sequence change replaces proline, which is neutral and non-polar, with leucine, which is neutral and non-polar, at codon 1550 of the COL5A1 protein (p.Pro1550Leu). This variant is not present in population databases (gnomAD no frequency). This variant has not been reported in the literature in individuals affected with COL5A1-related conditions. ClinVar contains an entry for this variant (Variation ID: 3614221). Invitae Evidence Modeling of protein sequence and biophysical properties (such as structural, functional, and spatial information, amino acid conservation, physicochemical variation, residue mobility, and thermodynamic stability) indicates that this missense variant is not expected to disrupt COL5A1 protein function with a negative predictive value of 95%. In summary, the available evidence is currently insufficient to determine the role of this variant in disease. Therefore, it has been classified as a Variant of Uncertain Significance.